The following is an entry in ClinVar:

NM_000057.4(BLM):c.1052A>G (p.Gln351Arg)

Gene: BLM (BLM RecQ like helicase; plus strand). Cytogenetic location: 15q26.1.
Variant type: single nucleotide variant.
Coding change: c.1052A>G on transcript NM_000057.4 (MANE Select); coding-DNA position 1052, A replaced by G.
Protein change: p.Gln351Arg; replaces glutamine 351 with arginine.
Molecular consequence: missense variant. On other transcripts: 5 prime UTR variant (1).
Genome position (GRCh38, 1-based): chr15:90,754,903, A>G. VCF-style: chr15-90754903-A-G. GRCh37 (hg19) VCF-style: chr15-91298133-A-G.
Other names: c.1052A>G, p.Gln351Arg (NM_001287246.2, NM_001287247.2); c.-240A>G (NM_001287248.2); short protein forms Q351R.
Identifiers: ClinVar variation 1777517 (VCV001777517.6), dbSNP rs1389607101, ClinGen allele CA393842188.
Genomic context (GRCh38, chr15:90,754,903, plus strand): 5'-AAGAGGATGTTCTTAGCACATCAAAAGATCTTTTGTCAAAACCTGAGAAAATGAGTATGC[A>G]GGAGCTGAATCCAGAAACCAGCACAGACTGTGACGGTACAAGCAATATTTTAGACATACC-3'
Protein context (NP_000048.1, residues 341-361): LLSKPEKMSM[Gln351Arg]ELNPETSTDC

ClinVar aggregate classification (germline): Uncertain significance. Review status: criteria provided, multiple submitters, no conflicts (2 of 4 stars). 2 submissions from 2 submitters: Uncertain significance (2). Last evaluated 2025-04-13.

Conditions:
Hereditary cancer-predisposing syndrome. Also called: Neoplastic Syndromes, Hereditary; Tumor predisposition; Hereditary Cancer Syndrome; Hereditary neoplastic syndrome. Identifiers: Orphanet 140162, MedGen C0027672, MeSH D009386, MONDO:0015356.
Bloom syndrome (BLM). Also called: Bloom-Torre-Machacek syndrome. Identifiers: Orphanet 125, MedGen C0005859, MONDO:0008876, OMIM 210900.

Allele frequency attached by ClinVar (database versions not stated): TOPMed 0.00001.

Submissions (2):

Labcorp Genetics (formerly Invitae), Labcorp
Classification: Uncertain significance for Bloom syndrome. Last evaluated: 2025-04-13. Review status: criteria provided, single submitter. Criteria: Invitae Variant Classification Sherloc (09022015). Collection method: clinical testing. Allele origin: germline.
Comment: This sequence change replaces glutamine, which is neutral and polar, with arginine, which is basic and polar, at codon 351 of the BLM protein (p.Gln351Arg). This variant is present in population databases (no rsID available, gnomAD 0.007%). This variant has not been reported in the literature in individuals affected with BLM-related conditions. ClinVar contains an entry for this variant (Variation ID: 1777517). Invitae Evidence Modeling of protein sequence and biophysical properties (such as structural, functional, and spatial information, amino acid conservation, physicochemical variation, residue mobility, and thermodynamic stability) indicates that this missense variant is not expected to disrupt BLM protein function with a negative predictive value of 80%. In summary, the available evidence is currently insufficient to determine the role of this variant in disease. Therefore, it has been classified as a Variant of Uncertain Significance.

Ambry Genetics
Classification: Uncertain significance for Hereditary cancer-predisposing syndrome. Last evaluated: 2021-10-08. Review status: criteria provided, single submitter. Criteria: Ambry Variant Classification Scheme 2023. Collection method: clinical testing. Allele origin: germline.
Comment: The p.Q351R variant (also known as c.1052A>G), located in coding exon 4 of the BLM gene, results from an A to G substitution at nucleotide position 1052. The glutamine at codon 351 is replaced by arginine, an amino acid with highly similar properties. This amino acid position is conserved. In addition, this alteration is predicted to be tolerated by in silico analysis. Since supporting evidence is limited at this time, the clinical significance of this alteration remains unclear.